The following is an entry in ClinVar:

NC_000011.9:g.(?_62457839)_(62462203_?)dup

Gene: BSCL2 (BSCL2 lipid droplet biogenesis associated, seipin; minus strand). Cytogenetic location: 11q12.3.
Variant type: Duplication.
Identifiers: ClinVar variation 1449563 (VCV001449563.6).

ClinVar aggregate classification (germline): Uncertain significance (1 of 4 stars; one submission).

Conditions:
Charcot-Marie-Tooth disease type 2. Also called: Charcot-Marie-Tooth type 2. Identifiers: Orphanet 64746, MedGen C0270914, MONDO:0018993.

Submission:

Labcorp Genetics (formerly Invitae), Labcorp
Classification: Uncertain significance for Charcot-Marie-Tooth disease type 2. Last evaluated: 2021-05-17. Review status: criteria provided, single submitter. Criteria: Invitae Variant Classification Sherloc (09022015). Collection method: clinical testing. Allele origin: germline.
Comment: In summary, the available evidence is currently insufficient to determine the role of this variant in disease. Therefore, it has been classified as a Variant of Uncertain Significance. Experimental studies and prediction algorithms are not available for this variant, and the functional significance of the duplicated amino acid(s) is currently unknown. This variant has not been reported in the literature in individuals with BSCL2-related disease. This variant is a gross duplication of the genomic region encompassing exons 4-11 of the BSCL2 gene. The 5' boundary is likely confined to intron 3. The 3' end of this event is unknown as it extends beyond the assayed region for this gene and therefore may encompass additional genes. The exact location of this variant in the genome is unknown.